The following is an entry in ClinVar:

NM_000268.4(NF2):c.320_321del (p.Glu107fs)

Gene: NF2 (NF2, moesin-ezrin-radixin like (MERLIN) tumor suppressor; plus strand). Cytogenetic location: 22q12.2.
Variant type: Microsatellite.
Coding change: c.320_321del on transcript NM_000268.4 (MANE Select); coding-DNA positions 320 to 321, 2 bases deleted (AG; older notation c.320_321delAG).
Protein change: p.Glu107fs; shifts the reading frame from glutamic acid 107.
Molecular consequence: frameshift variant. On other transcripts: non-coding transcript variant (1), intron variant (3).
Genome position (GRCh38, 1-based): chr22:29,639,169-29,639,170, AG deleted; deleting any 2 consecutive bases within chr22:29,639,167-29,639,170 gives the same sequence; the c. name uses the placement nearest the transcript's 3' end. VCF-style (leftmost placement, unchanged base first): chr22-29639166-AAG-A. GRCh37 (hg19) VCF-style: chr22-30035155-AAG-A.
Other names: c.320_321del, p.Glu107fs (NM_016418.5, NM_181825.3, NM_181832.3 and 1 more transcripts); c.194_195del, p.Glu65fs (NM_181828.3); c.240+2293_240+2294del (NM_181829.3); c.115-3033_115-3032del (NM_181830.3, NM_181831.3); short protein forms E107fs, E65fs.
Identifiers: ClinVar variation 1074869 (VCV001074869.9), dbSNP rs2146871865, ClinGen allele CA2580615291.

ClinVar aggregate classification (germline): Pathogenic (1 of 4 stars; one submission).

Conditions:
Neurofibromatosis, type 2 (SWNV). Also called: BILATERAL ACOUSTIC NEUROFIBROMATOSIS; SCHWANNOMATOSIS, VESTIBULAR; NF2-Related Schwannomatosis. Identifiers: Orphanet 637, MedGen C0027832, MONDO:0007039, OMIM 101000. Disease mechanism: loss of function.

Submission:

Labcorp Genetics (formerly Invitae), Labcorp
Classification: Pathogenic for Neurofibromatosis, type 2. Last evaluated: 2020-07-02. Review status: criteria provided, single submitter. Criteria: Invitae Variant Classification Sherloc (09022015). Collection method: clinical testing. Allele origin: germline.
Comment: This variant has been observed in individual(s) with clinical features of neurofibromatosis type 2 (Invitae). For these reasons, this variant has been classified as Pathogenic. Loss-of-function variants in NF2 are known to be pathogenic (PMID: 9643284, 16983642). This variant is not present in population databases (ExAC no frequency). This sequence change creates a premature translational stop signal (p.Glu107Glyfs*22) in the NF2 gene. It is expected to result in an absent or disrupted protein product.

Literature cited by the submitters: PubMed 9643284; PubMed 16983642.